The following is an entry in ClinVar:

ClinVar aggregate classification (germline): Likely pathogenic (1 of 4 stars; one submission).

Conditions:
Dermatofibrosis lenticularis disseminata (BOS). Also called: OSTEOPATHIA CONDENSANS DISSEMINATA; DERMATOFIBROSIS LENTICULARIS DISSEMINATA WITH OSTEOPOIKILOSIS; DERMATOOSTEOPOIKILOSIS. Identifiers: Orphanet 1306, MedGen C0265514, MONDO:0008157, OMIM 166700.

Submission:

Clinical Genomics Laboratory, Washington University in St. Louis
Classification: Likely pathogenic for Dermatofibrosis lenticularis disseminata. Last evaluated: 2025-09-02. Review status: criteria provided, single submitter. Criteria: ACMG Guidelines, 2015. Collection method: clinical testing. Allele origin: germline. Affected: yes.
Comment: The LEMD3 c.1921+5G>A variant, to our knowledge, has not been reported in the medical literature and is absent from the general population (gnomAD v.2.1.1), indicating it is not a common variant. Computational predictors indicate that this variant would alter splicing, evidence that correlates to an impact of this variant on LEMD3 function. Additionally, another variant in the splice donor motif, c.1921+1G>T, has been described as segregating with disease in an affected family and is considered pathogenic (Korekawa A et al., PMID: 21985280). Based on available information and the ACMG/AMP guidelines for variant interpretation (Richards S et al., PMID: 25741868), this variant is classified as likely pathogenic.

NM_014319.5(LEMD3):c.1921+5G>A

Gene: LEMD3 (LEM domain containing 3; plus strand). Cytogenetic location: 12q14.3.
Variant type: single nucleotide variant.
Coding change: c.1921+5G>A on transcript NM_014319.5 (MANE Select); 5 bases into the intron after coding-DNA position 1921, G replaced by A.
Molecular consequence: intron variant.
Genome position (GRCh38, 1-based): chr12:65,238,819, G>A. VCF-style: chr12-65238819-G-A. GRCh37 (hg19) VCF-style: chr12-65632599-G-A.
Other names: c.1918+5G>A (NM_001167614.2).
Identifiers: ClinVar variation 4279880 (VCV004279880.1).
Genomic context (GRCh38, chr12:65,238,819, plus strand): 5'-TCGTTTTCGACGTGCTTTTGTTACTGTAACTCACAGATTATTGTTGTTATGCTTAGGTAA[G>A]TTGTAAAGATAAGAAATGAGATAAATTGCAGCCTGAATTTTTGTGTGTATTTCACTAAAT-3'